The following is an entry in ClinVar:

NM_013275.6(ANKRD11):c.6350C>T (p.Pro2117Leu)

Gene: ANKRD11 (ankyrin repeat domain 11; minus strand). Cytogenetic location: 16q24.3.
Variant type: single nucleotide variant.
Coding change: c.6350C>T on transcript NM_013275.6 (MANE Select); coding-DNA position 6350, C replaced by T.
Protein change: p.Pro2117Leu; replaces proline 2117 with leucine.
Molecular consequence: missense variant.
Genome position (GRCh38, 1-based): chr16:89,280,192, G>A on the plus strand (C>T on the coding strand, the complement: ANKRD11 is on the minus strand). VCF-style: chr16-89280192-G-A. GRCh37 (hg19) VCF-style: chr16-89346600-G-A.
Other names: c.6350C>T, p.Pro2117Leu (NM_001256182.2, NM_001256183.2); short protein forms P2117L.
Identifiers: ClinVar variation 4054062 (VCV004054062.2).

ClinVar aggregate classification (germline): Conflicting classifications of pathogenicity. Review status: criteria provided, conflicting classifications (1 of 4 stars). 2 submissions from 2 submitters: Uncertain significance (1); Likely benign (1). Last evaluated 2025-07-15.

Conditions:
KBG syndrome (KBGS). Also called: ANKRD11-Related KBG Syndrome. Identifiers: Orphanet 2332, MedGen C0220687, MONDO:0007846, OMIM 148050.
Inborn genetic diseases. Identifiers: MedGen C0950123, MeSH D030342.

gnomAD v4.1: 46 of 1,608,266 alleles (0.0029%); highest among the groups gnomAD compares: South Asian, 0.0066%; no homozygotes.

Submissions (2):

Labcorp Genetics (formerly Invitae), Labcorp
Classification: Uncertain significance for KBG syndrome. Last evaluated: 2025-07-15. Review status: criteria provided, single submitter. Criteria: Invitae Variant Classification Sherloc (09022015). Collection method: clinical testing. Allele origin: germline.
Comment: This sequence change replaces proline, which is neutral and non-polar, with leucine, which is neutral and non-polar, at codon 2117 of the ANKRD11 protein (p.Pro2117Leu). This variant is present in population databases (rs749269329, gnomAD 0.01%). This variant has not been reported in the literature in individuals affected with ANKRD11-related conditions. Invitae Evidence Modeling of protein sequence and biophysical properties (such as structural, functional, and spatial information, amino acid conservation, physicochemical variation, residue mobility, and thermodynamic stability) indicates that this missense variant is not expected to disrupt ANKRD11 protein function with a negative predictive value of 95%. In summary, the available evidence is currently insufficient to determine the role of this variant in disease. Therefore, it has been classified as a Variant of Uncertain Significance.

Ambry Genetics
Classification: Likely benign for Inborn genetic diseases. Last evaluated: 2025-06-03. Review status: criteria provided, single submitter. Criteria: Ambry Variant Classification Scheme 2023. Collection method: clinical testing. Allele origin: germline.